The following is an entry in ClinVar:

NM_144499.3(GNAT1):c.515G>C (p.Arg172Pro)

Gene: GNAT1 (G protein subunit alpha transducin 1; plus strand). Cytogenetic location: 3p21.31.
Variant type: single nucleotide variant.
Coding change: c.515G>C on transcript NM_144499.3 (MANE Select); coding-DNA position 515, G replaced by C.
Protein change: p.Arg172Pro; replaces arginine 172 with proline.
Molecular consequence: missense variant.
Genome position (GRCh38, 1-based): chr3:50,193,818, G>C. VCF-style: chr3-50193818-G-C. GRCh37 (hg19) VCF-style: chr3-50231251-G-C.
Other names: c.515G>C, p.Arg172Pro (NM_000172.4); short protein forms R172P.
Identifiers: ClinVar variation 1701458 (VCV001701458.31), dbSNP rs1699459195, ClinGen allele CA352916397.

ClinVar aggregate classification (germline): Uncertain significance (1 of 4 stars; one submission).

Submission:

CeGaT Center for Human Genetics Tuebingen
Classification: Uncertain significance. Last evaluated: 2022-07-01. Review status: criteria provided, single submitter. Criteria: CeGaT Center For Human Genetics Tuebingen Variant Classification Criteria Version 2. Collection method: clinical testing. Allele origin: germline. Affected: yes. Observed: 1 variant allele.
Comment: GNAT1: PM2, PM3:Supporting, PP4